The following is an entry in ClinVar:

NM_198578.4(LRRK2):c.6967A>T (p.Ile2323Phe)

Gene: LRRK2 (leucine rich repeat kinase 2; plus strand). Cytogenetic location: 12q12.
Variant type: single nucleotide variant.
Coding change: c.6967A>T on transcript NM_198578.4 (MANE Select); coding-DNA position 6967, A replaced by T.
Protein change: p.Ile2323Phe; replaces isoleucine 2323 with phenylalanine.
Molecular consequence: missense variant.
Genome position (GRCh38, 1-based): chr12:40,359,383, A>T. VCF-style: chr12-40359383-A-T. GRCh37 (hg19) VCF-style: chr12-40753185-A-T.
Other names: short protein forms I2323F.
Identifiers: ClinVar variation 1756346 (VCV001756346.3), dbSNP rs779996415, ClinGen allele CA6514806.

ClinVar aggregate classification (germline): Uncertain significance (1 of 4 stars; one submission).

Conditions:
Inborn genetic diseases. Identifiers: MedGen C0950123, MeSH D030342.

Allele frequency attached by ClinVar (database versions not stated): TOPMed below 0.00001; ExAC 0.00001; gnomAD 0.00001.
gnomAD v4.1: 5 of 1,613,166 alleles (0.00031%); highest among the groups gnomAD compares: East Asian, 0.0089%; no homozygotes.

Submission:

Ambry Genetics
Classification: Uncertain significance for Inborn genetic diseases. Last evaluated: 2024-04-26. Review status: criteria provided, single submitter. Criteria: Ambry Variant Classification Scheme 2023. Collection method: clinical testing. Allele origin: germline.
Comment: The p.I2323F variant (also known as c.6967A>T), located in coding exon 47 of the LRRK2 gene, results from an A to T substitution at nucleotide position 6967. The isoleucine at codon 2323 is replaced by phenylalanine, an amino acid with highly similar properties. This amino acid position is conserved. In addition, this alteration is predicted to be tolerated by in silico analysis. Since supporting evidence is limited at this time, the clinical significance of this alteration remains unclear.